The following is an entry in ClinVar:

ClinVar aggregate classification (germline): Likely benign (1 of 4 stars; one submission).

Allele frequency attached by ClinVar (database versions not stated): gnomAD 0.00005; ExAC 0.00006; TOPMed 0.00006; ESP Exome Variant Server 0.00008; gnomAD exomes 0.00008.
gnomAD v4.1: 124 of 1,613,598 alleles (0.0077%); highest among the groups gnomAD compares: Middle Eastern, 0.033%; no homozygotes.

Submission:

CeGaT Center for Human Genetics Tuebingen
Classification: Likely benign. Last evaluated: 2022-10-01. Review status: criteria provided, single submitter. Criteria: CeGaT Center For Human Genetics Tuebingen Variant Classification Criteria Version 2. Collection method: clinical testing. Allele origin: germline. Affected: yes. Observed: 1 variant allele.
Comment: CFAP61: BP4, BP7

NM_015585.4(CFAP61):c.141T>C (p.Leu47=)

Gene: CFAP61 (cilia and flagella associated protein 61; plus strand). Cytogenetic location: 20p11.23.
Variant type: single nucleotide variant.
Coding change: c.141T>C on transcript NM_015585.4 (MANE Select); coding-DNA position 141, T replaced by C.
Protein change: p.Leu47=; no amino-acid change (leucine 47 retained).
Molecular consequence: synonymous variant.
Genome position (GRCh38, 1-based): chr20:20,056,794, T>C. VCF-style: chr20-20056794-T-C. GRCh37 (hg19) VCF-style: chr20-20037438-T-C.
Other names: c.141T>C, p.Leu47= (NM_001167816.1).
Identifiers: ClinVar variation 2652229 (VCV002652229.24), dbSNP rs146825557, ClinGen allele CA9781349.